The following is an entry in ClinVar:

NM_024675.4(PALB2):c.712A>T (p.Arg238Ter)

Gene: PALB2 (partner and localizer of BRCA2; minus strand). Cytogenetic location: 16p12.2.
Variant type: single nucleotide variant.
Coding change: c.712A>T on transcript NM_024675.4 (MANE Select); coding-DNA position 712, A replaced by T.
Protein change: p.Arg238Ter; replaces arginine 238 with a stop codon.
Molecular consequence: nonsense.
Genome position (GRCh38, 1-based): chr16:23,635,834, T>A on the plus strand (A>T on the coding strand, the complement: PALB2 is on the minus strand). VCF-style: chr16-23635834-T-A. GRCh37 (hg19) VCF-style: chr16-23647155-T-A.
Other names: short protein forms R238*.
Identifiers: ClinVar variation 826857 (VCV000826857.14), dbSNP rs779278389, ClinGen allele CA395136336.

ClinVar aggregate classification (germline): Pathogenic. Review status: criteria provided, multiple submitters, no conflicts (2 of 4 stars). 3 submissions from 3 submitters: Pathogenic (3). Last evaluated 2023-09-07.

Conditions:
Hereditary cancer-predisposing syndrome. Also called: Neoplastic Syndromes, Hereditary; Tumor predisposition; Hereditary neoplastic syndrome; Hereditary Cancer Syndrome. Identifiers: Orphanet 140162, MedGen C0027672, MeSH D009386, MONDO:0015356.
Familial cancer of breast. Also called: BREAST CANCER, FAMILIAL; Hereditary breast cancer; hereditary breast carcinoma. Identifiers: Orphanet 227535, MedGen C0346153, MONDO:0016419, OMIM 114480. Disease mechanism: loss of function.

gnomAD v4.1: 5 of 1,614,172 alleles (0.00031%); highest among the groups gnomAD compares: Non-Finnish European, 0.00042%; no homozygotes.

Submissions (3):

Myriad Genetics, Inc.
Classification: Pathogenic for Familial cancer of breast. Last evaluated: 2023-09-07. Review status: criteria provided, single submitter. Criteria: Myriad Autosomal Dominant, Autosomal Recessive and X-Linked Classification Criteria (2023). Collection method: clinical testing. Allele origin: unknown.
Comment: This variant is considered pathogenic. This variant creates a termination codon and is predicted to result in premature protein truncation.

Labcorp Genetics (formerly Invitae), Labcorp
Classification: Pathogenic for Familial cancer of breast. Last evaluated: 2023-08-18. Review status: criteria provided, single submitter. Criteria: Invitae Variant Classification Sherloc (09022015). Collection method: clinical testing. Allele origin: germline.
Comment: For these reasons, this variant has been classified as Pathogenic. ClinVar contains an entry for this variant (Variation ID: 826857). This variant has not been reported in the literature in individuals affected with PALB2-related conditions. This variant is present in population databases (no rsID available, gnomAD 0.0009%). This sequence change creates a premature translational stop signal (p.Arg238*) in the PALB2 gene. It is expected to result in an absent or disrupted protein product. Loss-of-function variants in PALB2 are known to be pathogenic (PMID: 17200668, 17200671, 17200672, 24136930, 25099575).

Ambry Genetics
Classification: Pathogenic for Hereditary cancer-predisposing syndrome. Last evaluated: 2023-03-06. Review status: criteria provided, single submitter. Criteria: Ambry Variant Classification Scheme 2023. Collection method: clinical testing. Allele origin: germline.
Comment: The p.R238* pathogenic mutation (also known as c.712A>T), located in coding exon 4 of the PALB2 gene, results from an A to T substitution at nucleotide position 712. This changes the amino acid from an arginine to a stop codon within coding exon 4. This alteration is expected to result in loss of function by premature protein truncation or nonsense-mediated mRNA decay. As such, this alteration is interpreted as a disease-causing mutation.

Literature cited by the submitters: PubMed 17200668 (cited by Labcorp Genetics (formerly Invitae), Labcorp); PubMed 17200671 (cited by Labcorp Genetics (formerly Invitae), Labcorp); PubMed 17200672 (cited by Labcorp Genetics (formerly Invitae), Labcorp); PubMed 24136930 (cited by Labcorp Genetics (formerly Invitae), Labcorp); PubMed 25099575 (cited by Labcorp Genetics (formerly Invitae), Labcorp).